The following is an entry in ClinVar:

ClinVar aggregate classification (germline): Likely benign (1 of 4 stars; one submission).

gnomAD v4.1: 42 of 1,613,974 alleles (0.0026%); highest among the groups gnomAD compares: African/African-American, 0.023%; no homozygotes.

Submission:

CeGaT Center for Human Genetics Tuebingen
Classification: Likely benign. Last evaluated: 2026-08-01. Review status: criteria provided, single submitter. Criteria: CeGaT Center For Human Genetics Tuebingen Variant Classification Criteria Version 2. Collection method: clinical testing. Allele origin: germline. Affected: yes. Observed: 1 variant allele.
Comment: NCAPH: BP4, BP7

NM_015341.5(NCAPH):c.57G>A (p.Thr19=)

Gene: NCAPH (non-SMC condensin I complex subunit H; plus strand). Cytogenetic location: 2q11.2.
Variant type: single nucleotide variant.
Coding change: c.57G>A on transcript NM_015341.5 (MANE Select); coding-DNA position 57, G replaced by A.
Protein change: p.Thr19=; no amino-acid change (threonine 19 retained).
Molecular consequence: synonymous variant. On other transcripts: intron variant (2).
Genome position (GRCh38, 1-based): chr2:96,341,679, G>A. VCF-style: chr2-96341679-G-A. GRCh37 (hg19) VCF-style: chr2-97007417-G-A.
Other names: c.24G>A, p.Thr8= (NM_001281710.2); c.20-35G>A (NM_001281711.2); c.-136-371G>A (NM_001281712.2).
Identifiers: ClinVar variation 5039678 (VCV005039678.1).